The following is an entry in ClinVar:

ClinVar aggregate classification (germline): Uncertain significance (1 of 4 stars; one submission).

Conditions:
Combined immunodeficiency due to DOCK8 deficiency (HIES2). Also called: HIES autosomal recessive; DOCK8 Deficiency; Hyper-IgE recurrent infection syndrome, autosomal recessive; HYPER-IgE RECURRENT INFECTION SYNDROME 2, AUTOSOMAL RECESSIVE; HYPER-IgE SYNDROME 2, AUTOSOMAL RECESSIVE, WITH RECURRENT INFECTIONS. Identifiers: Orphanet 217390, MedGen C4722305, MONDO:0009478, OMIM 243700.

Allele frequency attached by ClinVar (database versions not stated): gnomAD exomes below 0.00001 and 0.00001; TOPMed below 0.00001; ExAC 0.00002.
gnomAD v4.1: 1 of 1,614,164 alleles (0.000062%); highest among the groups gnomAD compares: East Asian, 0.0022%; no homozygotes.

Submission:

Labcorp Genetics (formerly Invitae), Labcorp
Classification: Uncertain significance for Combined immunodeficiency due to DOCK8 deficiency. Last evaluated: 2021-08-27. Review status: criteria provided, single submitter. Criteria: Invitae Variant Classification Sherloc (09022015). Collection method: clinical testing. Allele origin: germline.
Comment: This sequence change replaces serine with asparagine at codon 1448 of the DOCK8 protein (p.Ser1448Asn). The serine residue is moderately conserved and there is a small physicochemical difference between serine and asparagine. This variant is present in population databases (rs767499233, ExAC 0.02%). This variant has not been reported in the literature in individuals affected with DOCK8-related conditions. Algorithms developed to predict the effect of missense changes on protein structure and function are either unavailable or do not agree on the potential impact of this missense change (SIFT: "Deleterious"; PolyPhen-2: "Benign"; Align-GVGD: "Class C0"). In summary, the available evidence is currently insufficient to determine the role of this variant in disease. Therefore, it has been classified as a Variant of Uncertain Significance.

NM_203447.4(DOCK8):c.4343G>A (p.Ser1448Asn)

Gene: DOCK8 (dedicator of cytokinesis 8; plus strand). Cytogenetic location: 9p24.3.
Variant type: single nucleotide variant.
Coding change: c.4343G>A on transcript NM_203447.4 (MANE Select); coding-DNA position 4343, G replaced by A.
Protein change: p.Ser1448Asn; replaces serine 1448 with asparagine.
Molecular consequence: missense variant.
Genome position (GRCh38, 1-based): chr9:428,366, G>A. VCF-style: chr9-428366-G-A. GRCh37 (hg19) VCF-style: chr9-428366-G-A.
Other names: c.4043G>A, p.Ser1348Asn (NM_001190458.2); c.4139G>A, p.Ser1380Asn (NM_001193536.2); short protein forms S1348N, S1380N, S1448N.
Identifiers: ClinVar variation 860335 (VCV000860335.7), dbSNP rs767499233, ClinGen allele CA4959058.
Genomic context (GRCh38, chr9:428,366, plus strand): 5'-TCCAGTTCATTGGCACAGTGCAGGGATTCAATGATGCTGTTCTTCCATTCCCCCAGGCGA[G>A]CTCGGCTCTGGACTGTAAAGACAGCCTGCTGGGAGGTGTTCTGAGGGTGCTGGTGAATTC-3'
Protein context (NP_982272.2, residues 1438-1458): LDMQENIIQA[Ser1448Asn]SALDCKDSLL